The following is an entry in ClinVar:

ClinVar aggregate classification (germline): Uncertain significance (1 of 4 stars; one submission).

gnomAD v4.1: 1 of 1,614,140 alleles (0.000062%); highest among the groups gnomAD compares: Non-Finnish European, 0.000085%; no homozygotes.

Submission:

Labcorp Genetics (formerly Invitae), Labcorp
Classification: Uncertain significance. Last evaluated: 2025-11-05. Review status: criteria provided, single submitter. Criteria: Invitae Variant Classification Sherloc (09022015). Collection method: clinical testing. Allele origin: germline.
Comment: This sequence change replaces histidine, which is basic and polar, with glutamine, which is neutral and polar, at codon 99 of the TFAP2B protein (p.His99Gln). This variant is not present in population databases (gnomAD no frequency). This variant has not been reported in the literature in individuals affected with TFAP2B-related conditions. Invitae Evidence Modeling of protein sequence and biophysical properties (such as structural, functional, and spatial information, amino acid conservation, physicochemical variation, residue mobility, and thermodynamic stability) indicates that this missense variant is not expected to disrupt TFAP2B protein function with a negative predictive value of 80%. In summary, the available evidence is currently insufficient to determine the role of this variant in disease. Therefore, it has been classified as a Variant of Uncertain Significance.

NM_003221.4(TFAP2B):c.297C>A (p.His99Gln)

Gene: TFAP2B (transcription factor AP-2 beta; plus strand). Cytogenetic location: 6p12.3.
Variant type: single nucleotide variant.
Coding change: c.297C>A on transcript NM_003221.4 (MANE Select); coding-DNA position 297, C replaced by A.
Protein change: p.His99Gln; replaces histidine 99 with glutamine.
Molecular consequence: missense variant.
Genome position (GRCh38, 1-based): chr6:50,823,622, C>A. VCF-style: chr6-50823622-C-A. GRCh37 (hg19) VCF-style: chr6-50791335-C-A.
Other names: short protein forms H99Q.
Identifiers: ClinVar variation 4740999 (VCV004740999.1).